The following is an entry in ClinVar:

NM_004100.5(EYA4):c.1553T>C (p.Ile518Thr)

Genes: EYA4 (EYA transcriptional coactivator and phosphatase 4; plus strand), TARID (TCF21 antisense RNA inducing promoter demethylation; minus strand). Cytogenetic location: 6q23.2.
Variant type: single nucleotide variant.
Coding change: c.1553T>C on transcript NM_004100.5 (MANE Select); coding-DNA position 1553, T replaced by C.
Protein change: p.Ile518Thr; replaces isoleucine 518 with threonine.
Molecular consequence: missense variant.
Genome position (GRCh38, 1-based): chr6:133,515,372, T>C. VCF-style: chr6-133515372-T-C. GRCh37 (hg19) VCF-style: chr6-133836510-T-C.
Other names: c.1391T>C, p.Ile464Thr (NM_001301012.2); c.1571T>C, p.Ile524Thr (NM_001301013.2); c.1484T>C, p.Ile495Thr (NM_001370458.1, NM_172103.4); c.1409T>C, p.Ile470Thr (NM_001370459.1); c.1553T>C, p.Ile518Thr (NM_172105.4); short protein forms I464T, I470T, I495T, I518T, I524T.
Identifiers: ClinVar variation 2497883 (VCV002497883.5), dbSNP rs758580174, ClinGen allele CA4008399.

ClinVar aggregate classification (germline): Uncertain significance. Review status: criteria provided, multiple submitters, no conflicts (2 of 4 stars). 3 submissions from 3 submitters: Uncertain significance (3). Last evaluated 2026-08-24.

Conditions:
Cardiovascular phenotype. Identifiers: MedGen CN230736.
Dilated cardiomyopathy 1J (CMD1J). Also called: CARDIOMYOPATHY, DILATED, WITH SENSORINEURAL HEARING LOSS, AUTOSOMAL DOMINANT. Identifiers: Orphanet 217622, MedGen C1854368, MONDO:0011541, OMIM 605362.

Allele frequency attached by ClinVar (database versions not stated): ExAC 0.00002; gnomAD exomes 0.00001.
gnomAD v4.1: 4 of 1,613,948 alleles (0.00025%); highest among the groups gnomAD compares: Non-Finnish European, 0.00025%; no homozygotes.

Submissions (3):

Ambry Genetics
Classification: Uncertain significance for Cardiovascular phenotype. Last evaluated: 2026-08-24. Review status: criteria provided, single submitter. Criteria: Ambry Variant Classification Scheme 2023. Collection method: clinical testing. Allele origin: germline.
Comment: The p.I518T variant (also known as c.1553T>C), located in coding exon 16 of the EYA4 gene, results from a T to C substitution at nucleotide position 1553. The isoleucine at codon 518 is replaced by threonine, an amino acid with similar properties. This amino acid position is conserved. In addition, the in silico prediction for this alteration is inconclusive. Based on the available evidence, the clinical significance of this variant remains unclear.

Labcorp Genetics (formerly Invitae), Labcorp
Classification: Uncertain significance for Dilated cardiomyopathy 1J. Last evaluated: 2024-01-29. Review status: criteria provided, single submitter. Criteria: Invitae Variant Classification Sherloc (09022015). Collection method: clinical testing. Allele origin: germline.
Comment: This sequence change replaces isoleucine, which is neutral and non-polar, with threonine, which is neutral and polar, at codon 518 of the EYA4 protein (p.Ile518Thr). This variant is present in population databases (rs758580174, gnomAD 0.003%). This variant has not been reported in the literature in individuals affected with EYA4-related conditions. ClinVar contains an entry for this variant (Variation ID: 2497883). Advanced modeling of protein sequence and biophysical properties (such as structural, functional, and spatial information, amino acid conservation, physicochemical variation, residue mobility, and thermodynamic stability) performed at Invitae indicates that this missense variant is not expected to disrupt EYA4 protein function with a negative predictive value of 80%. In summary, the available evidence is currently insufficient to determine the role of this variant in disease. Therefore, it has been classified as a Variant of Uncertain Significance.

GeneDx
Classification: Uncertain significance. Last evaluated: 2023-04-03. Review status: criteria provided, single submitter. Criteria: GeneDx Variant Classification Process June 2021. Collection method: clinical testing. Allele origin: germline. Affected: yes.
Comment: Has not been previously published as pathogenic or benign to our knowledge; Not observed at significant frequency in large population cohorts (gnomAD); In silico analysis supports that this missense variant has a deleterious effect on protein structure/function